The following is an entry in ClinVar:

ClinVar aggregate classification (germline): Uncertain significance. Review status: criteria provided, multiple submitters, no conflicts (2 of 4 stars). 2 submissions from 2 submitters: Uncertain significance (2). Last evaluated 2024-12-02.

Conditions:
Developmental and epileptic encephalopathy, 14 (DEE14). Also called: Early infantile epileptic encephalopathy 14. Identifiers: Orphanet 293181, MedGen C3554195, MONDO:0013989, OMIM 614959.
Autosomal dominant nocturnal frontal lobe epilepsy 5. Also called: KCNT1-Related Epilepsy; CILIARY DYSKINESIA, PRIMARY, 28, WITHOUT SITUS INVERSUS; CILIARY DYSKINESIA, PRIMARY, 28, WITH SITUS INVERSUS; Epilepsy, nocturnal frontal lobe, 5. Identifiers: Orphanet 98784, MedGen C3554306, MONDO:0014002, OMIM 615005.

gnomAD v4.1: 5 of 1,613,228 alleles (0.00031%); highest among the groups gnomAD compares: South Asian, 0.0011%; no homozygotes.

Submissions (2):

Labcorp Genetics (formerly Invitae), Labcorp
Classification: Uncertain significance for Autosomal dominant nocturnal frontal lobe epilepsy 5; Developmental and epileptic encephalopathy, 14. Last evaluated: 2024-12-02. Review status: criteria provided, single submitter. Criteria: Invitae Variant Classification Sherloc (09022015). Collection method: clinical testing. Allele origin: germline.
Comment: This sequence change replaces methionine, which is neutral and non-polar, with valine, which is neutral and non-polar, at codon 566 of the KCNT1 protein (p.Met566Val). This variant is not present in population databases (gnomAD no frequency). This variant has not been reported in the literature in individuals affected with KCNT1-related conditions. ClinVar contains an entry for this variant (Variation ID: 1311274). Invitae Evidence Modeling of protein sequence and biophysical properties (such as structural, functional, and spatial information, amino acid conservation, physicochemical variation, residue mobility, and thermodynamic stability) indicates that this missense variant is not expected to disrupt KCNT1 protein function with a negative predictive value of 80%. In summary, the available evidence is currently insufficient to determine the role of this variant in disease. Therefore, it has been classified as a Variant of Uncertain Significance.

GeneDx
Classification: Uncertain significance. Last evaluated: 2020-01-15. Review status: criteria provided, single submitter. Criteria: GeneDx Variant Classification Process June 2021. Collection method: clinical testing. Allele origin: germline. Affected: yes.
Comment: Not observed in large population cohorts (Lek et al., 2016); In silico analysis, which includes protein predictors and evolutionary conservation, supports that this variant does not alter protein structure/function; Has not been previously published as pathogenic or benign to our knowledge

NM_020822.3(KCNT1):c.1696A>G (p.Met566Val)

Gene: KCNT1 (potassium sodium-activated channel subfamily T member 1; plus strand). Cytogenetic location: 9q34.3.
Variant type: single nucleotide variant.
Coding change: c.1696A>G on transcript NM_020822.3 (MANE Select); coding-DNA position 1696, A replaced by G.
Protein change: p.Met566Val; replaces methionine 566 with valine.
Molecular consequence: missense variant.
Genome position (GRCh38, 1-based): chr9:135,770,374, A>G. VCF-style: chr9-135770374-A-G. GRCh37 (hg19) VCF-style: chr9-138662220-A-G.
Other names: c.1561A>G, p.Met521Val (NM_001272003.2); short protein forms M521V, M566V.
Identifiers: ClinVar variation 1311274 (VCV001311274.6), dbSNP rs1832669452, ClinGen allele CA375506549.